The following is an entry in ClinVar:

ClinVar aggregate classification (germline): Likely benign (1 of 4 stars; one submission).

Conditions:
Familial cancer of breast. Also called: Hereditary breast cancer; hereditary breast carcinoma; BREAST CANCER, FAMILIAL. Identifiers: Orphanet 227535, MedGen C0346153, MONDO:0016419, OMIM 114480. Disease mechanism: loss of function.

Submission:

Myriad Genetics, Inc.
Classification: Likely benign for Familial cancer of breast. Last evaluated: 2025-01-21. Review status: criteria provided, single submitter. Criteria: Myriad Autosomal Dominant, Autosomal Recessive and X-Linked Classification Criteria (2023). Collection method: clinical testing. Allele origin: unknown.
Comment: This variant is considered likely benign. This variant is intronic and is not expected to impact mRNA splicing.

NM_024675.4(PALB2):c.2996+9dup

Gene: PALB2 (partner and localizer of BRCA2; minus strand). Cytogenetic location: 16p12.2.
Variant type: Duplication.
Coding change: c.2996+9dup on transcript NM_024675.4 (MANE Select); 9 bases into the intron after coding-DNA position 2996, one base duplicated (A; older notation c.2996+9dupA).
Molecular consequence: intron variant.
Genome position (GRCh38, 1-based): chr16:23,622,960, T duplicated on the plus strand (A on the coding strand, the reverse complement: PALB2 is on the minus strand); the first of 4 consecutive T bases (chr16:23,622,960-23,622,963); duplicating any one gives the same sequence. VCF-style (leftmost placement, unchanged base first): chr16-23622959-C-CT. GRCh37 (hg19) VCF-style: chr16-23634280-C-CT.
Other names: c.2111+9dup (NM_001407308.1, NM_001407306.1, NM_001407309.1 and 4 more transcripts); c.530+9dup (NM_001407314.1); c.1208+9dup (NM_001407313.1, NM_001407312.1); c.2936+9dup (NM_001407296.1); c.2924+9dup (NM_001407297.1); c.2834+9dup (NM_001407302.1, NM_001407298.1); c.2834+1049dup (NM_001407300.1); c.2996+9dup (NM_001407299.1, NM_001407301.1); and 1 more.
Identifiers: ClinVar variation 3904548 (VCV003904548.1).